The following is an entry in ClinVar:

NM_002458.3(MUC5B):c.12042A>G (p.Arg4014=)

Genes: MUC5B (mucin 5B, oligomeric mucus/gel-forming; plus strand), MUC5B-AS1 (MUC5B antisense RNA 1; minus strand). Cytogenetic location: 11p15.5.
Variant type: single nucleotide variant.
Coding change: c.12042A>G on transcript NM_002458.3 (MANE Select); coding-DNA position 12042, A replaced by G.
Protein change: p.Arg4014=; no amino-acid change (arginine 4014 retained).
Molecular consequence: synonymous variant.
Genome position (GRCh38, 1-based): chr11:1,248,922, A>G. VCF-style: chr11-1248922-A-G. GRCh37 (hg19) VCF-style: chr11-1270152-A-G.
Identifiers: ClinVar variation 2641282 (VCV002641282.24), dbSNP rs371785776, ClinGen allele CA5807847.

ClinVar aggregate classification (germline): Likely benign (1 of 4 stars; one submission).

Allele frequency attached by ClinVar (database versions not stated): 1000 Genomes Project 30x 0.00031; ExAC 0.00069; gnomAD 0.00149; gnomAD exomes 0.00190.
gnomAD v4.1: 2,931 of 1,578,772 alleles (0.19%); highest among the groups gnomAD compares: Non-Finnish European, 0.23%; 8 homozygotes.

Submission:

CeGaT Center for Human Genetics Tuebingen
Classification: Likely benign. Last evaluated: 2026-06-01. Review status: criteria provided, single submitter. Criteria: CeGaT Center For Human Genetics Tuebingen Variant Classification Criteria Version 2. Collection method: clinical testing. Allele origin: germline. Affected: yes. Observed: 6 variant alleles.
Comment: MUC5B: BP4, BP7